The following is an entry in ClinVar:

ClinVar aggregate classification (germline): Pathogenic (1 of 4 stars; one submission).

Conditions:
Spastic paraplegia. Identifiers: MedGen C0037772, HP:0001258.

Submission:

Labcorp Genetics (formerly Invitae), Labcorp
Classification: Pathogenic for Spastic paraplegia. Last evaluated: 2023-04-20. Review status: criteria provided, single submitter. Criteria: Invitae Variant Classification Sherloc (09022015). Collection method: clinical testing. Allele origin: germline.
Comment: This variant has not been reported in the literature in individuals affected with SACS-related conditions. This sequence change creates a premature translational stop signal (p.Arg2002Glufs*13) in the SACS gene. While this is not anticipated to result in nonsense mediated decay, it is expected to disrupt the last 2578 amino acid(s) of the SACS protein. This variant is not present in population databases (gnomAD no frequency). This variant disrupts a region of the SACS protein in which other variant(s) (p.Asn4549Asp) have been determined to be pathogenic (PMID: 15156359, 21507954). This suggests that this is a clinically significant region of the protein, and that variants that disrupt it are likely to be disease-causing. For these reasons, this variant has been classified as Pathogenic.

Literature cited by the submitters: PubMed 15156359; PubMed 21507954.

NM_014363.6(SACS):c.6002_6003dup (p.Arg2002fs)

Gene: SACS (sacsin molecular chaperone; minus strand). Cytogenetic location: 13q12.12.
Variant type: Duplication.
Coding change: c.6002_6003dup on transcript NM_014363.6 (MANE Select); coding-DNA positions 6002 to 6003, 2 bases duplicated (GA; older notation c.6002_6003dupGA).
Protein change: p.Arg2002fs; shifts the reading frame from arginine 2002.
Molecular consequence: frameshift variant.
Genome position (GRCh38, 1-based): chr13:23,337,873-23,337,874, TC duplicated on the plus strand (GA on the coding strand, the reverse complement: SACS is on the minus strand); duplicating any 2 consecutive bases within chr13:23,337,873-23,337,875 gives the same sequence; the c. name uses the placement nearest the transcript's 3' end. VCF-style (leftmost placement, unchanged base first): chr13-23337872-T-TTC. GRCh37 (hg19) VCF-style: chr13-23912011-T-TTC.
Other names: c.5561_5562dup, p.Arg1855fs (NM_001278055.2); short protein forms R1855fs, R2002fs.
Identifiers: ClinVar variation 2857858 (VCV002857858.3), dbSNP rs2542257262, ClinGen allele CA2739277468.